The following is an entry in ClinVar:

NM_003489.4(NRIP1):c.133A>G (p.Asn45Asp)

Gene: NRIP1 (nuclear receptor interacting protein 1; minus strand). Cytogenetic location: 21q11.2.
Variant type: single nucleotide variant.
Coding change: c.133A>G on transcript NM_003489.4 (MANE Select); coding-DNA position 133, A replaced by G.
Protein change: p.Asn45Asp; replaces asparagine 45 with aspartic acid.
Molecular consequence: missense variant.
Genome position (GRCh38, 1-based): chr21:14,968,060, T>C on the plus strand (A>G on the coding strand, the complement: NRIP1 is on the minus strand). VCF-style: chr21-14968060-T-C. GRCh37 (hg19) VCF-style: chr21-16340381-T-C.
Other names: short protein forms N45D.
Identifiers: ClinVar variation 2629219 (VCV002629219.2), dbSNP rs1264399888, ClinGen allele CA409832978.

ClinVar aggregate classification (germline): Uncertain significance. Review status: criteria provided, multiple submitters, no conflicts (2 of 4 stars). 2 submissions from 2 submitters: Uncertain significance (2). Last evaluated 2025-03-30.

Conditions:
Inborn genetic diseases. Identifiers: MedGen C0950123, MeSH D030342.
NRIP1-related disorder. Also called: NRIP1-related condition.

Allele frequency attached by ClinVar (database versions not stated): gnomAD exomes below 0.00001; gnomAD 0.00001.
gnomAD v4.1: 8 of 1,613,962 alleles (0.0005%); highest among the groups gnomAD compares: African/African-American, 0.0013%; no homozygotes.

Submissions (2):

Ambry Genetics
Classification: Uncertain significance for Inborn genetic diseases. Last evaluated: 2025-03-30. Review status: criteria provided, single submitter. Criteria: Ambry Variant Classification Scheme 2023. Collection method: clinical testing. Allele origin: germline.

PreventionGenetics, part of Exact Sciences
Classification: Uncertain significance for NRIP1-related condition. Last evaluated: 2022-12-07. Review status: criteria provided, single submitter. Criteria: ACMG Guidelines, 2015. Collection method: clinical testing. Allele origin: germline.
Comment: The NRIP1 c.133A>G variant is predicted to result in the amino acid substitution p.Asn45Asp. To our knowledge, this variant has not been reported in the literature. This variant is reported in 0.00088% of alleles in individuals of European (Non-Finnish) descent in gnomAD. At this time, the clinical significance of this variant is uncertain due to the absence of conclusive functional and genetic evidence.